The following is an entry in ClinVar:

ClinVar aggregate classification (germline): Benign. Review status: criteria provided, single submitter (1 of 4 stars). 2 submissions from 2 submitters: Benign (1). 1 of the submissions does not count toward it. Last evaluated 2026-01-27.

Conditions:
POLE2-related disorder. Also called: POLE2-related condition.

Allele frequency attached by ClinVar (database versions not stated): gnomAD exomes 0.00059 and 0.00180; ExAC 0.00227; gnomAD 0.00717 and 0.00756; ESP Exome Variant Server 0.00777; TOPMed 0.00842; 1000 Genomes Project 0.01078; 1000 Genomes Project 30x 0.01124.
gnomAD v4.1: 2,002 of 1,604,434 alleles (0.12%); highest among the groups gnomAD compares: African/African-American, 2.3%; 28 homozygotes.

Submissions (2):

Labcorp Genetics (formerly Invitae), Labcorp
Classification: Benign. Last evaluated: 2026-01-27. Review status: criteria provided, single submitter. Criteria: Invitae Variant Classification Sherloc (09022015). Collection method: clinical testing. Allele origin: germline.

PreventionGenetics, part of Exact Sciences
Classification: Benign for POLE2-related condition. Last evaluated: 2019-07-11. Review status: no assertion criteria provided. Collection method: clinical testing. Allele origin: germline. Not counted in ClinVar's aggregate classification.
Comment: This variant is classified as benign based on ACMG/AMP sequence variant interpretation guidelines (Richards et al. 2015 PMID: 25741868, with internal and published modifications).

NM_002692.4(POLE2):c.251A>C (p.His84Pro)

Gene: POLE2 (DNA polymerase epsilon 2, accessory subunit; minus strand). Cytogenetic location: 14q21.3.
Variant type: single nucleotide variant.
Coding change: c.251A>C on transcript NM_002692.4 (MANE Select); coding-DNA position 251, A replaced by C.
Protein change: p.His84Pro; replaces histidine 84 with proline.
Molecular consequence: missense variant. On other transcripts: intron variant (1).
Genome position (GRCh38, 1-based): chr14:49,674,422, T>G on the plus strand (A>C on the coding strand, the complement: POLE2 is on the minus strand). VCF-style: chr14-49674422-T-G. GRCh37 (hg19) VCF-style: chr14-50141140-T-G.
Other names: c.251A>C (NM_002692.3); c.251A>C, p.His84Pro (NM_001197331.3, NM_001348384.2); c.20A>C, p.His7Pro (NM_001348385.2); c.246-206A>C (NM_001197330.2); short protein forms H7P, H84P.
Identifiers: ClinVar variation 1168882 (VCV001168882.11), dbSNP rs34857719, ClinGen allele CA7173679.